The following is an entry in ClinVar:

ClinVar aggregate classification (germline): Benign. Review status: criteria provided, single submitter (1 of 4 stars). 2 submissions from 2 submitters: Benign (1). 1 of the submissions does not count toward it. Last evaluated 2026-01-09.

Conditions:
TRHR-related disorder. Also called: TRHR-related condition.

Allele frequency attached by ClinVar (database versions not stated): TOPMed 0.00013; ESP Exome Variant Server 0.00015; 1000 Genomes Project 30x 0.00031; gnomAD exomes 0.00035; 1000 Genomes Project 0.00040; ExAC 0.00078.

Submissions (2):

Labcorp Genetics (formerly Invitae), Labcorp
Classification: Benign. Last evaluated: 2026-01-09. Review status: criteria provided, single submitter. Criteria: Invitae Variant Classification Sherloc (09022015). Collection method: clinical testing. Allele origin: germline.

PreventionGenetics, part of Exact Sciences
Classification: Likely benign for TRHR-related condition. Last evaluated: 2023-11-13. Review status: no assertion criteria provided. Collection method: clinical testing. Allele origin: germline. Not counted in ClinVar's aggregate classification.
Comment: This variant is classified as likely benign based on ACMG/AMP sequence variant interpretation guidelines (Richards et al. 2015 PMID: 25741868, with internal and published modifications).

NM_003301.7(TRHR):c.9C>T (p.Asn3=)

Gene: TRHR (thyrotropin releasing hormone receptor; plus strand). Cytogenetic location: 8q23.1.
Variant type: single nucleotide variant.
Coding change: c.9C>T on transcript NM_003301.7 (MANE Select); coding-DNA position 9, C replaced by T.
Protein change: p.Asn3=; no amino-acid change (asparagine 3 retained).
Molecular consequence: synonymous variant.
Genome position (GRCh38, 1-based): chr8:109,087,521, C>T. VCF-style: chr8-109087521-C-T. GRCh37 (hg19) VCF-style: chr8-110099750-C-T.
Identifiers: ClinVar variation 3055065 (VCV003055065.3), dbSNP rs202086229, ClinGen allele CA4842752.